The following is an entry in ClinVar:

NM_000551.4(VHL):c.492G>T (p.Gln164His)

Genes: VHL (von Hippel-Lindau tumor suppressor; plus strand), LOC107303340 (3p25 von Hippel-Lindau tumor suppressor, E3 ubiquitin protein ligase Alu-mediated recombination region; plus strand). Cytogenetic location: 3p25.3.
Variant type: single nucleotide variant.
Coding change: c.492G>T on transcript NM_000551.4 (MANE Select); coding-DNA position 492, G replaced by T.
Protein change: p.Gln164His; replaces glutamine 164 with histidine.
Molecular consequence: missense variant. On other transcripts: 3 prime UTR variant (1).
Genome position (GRCh38, 1-based): chr3:10,149,815, G>T. VCF-style: chr3-10149815-G-T. GRCh37 (hg19) VCF-style: chr3-10191499-G-T.
Other names: c.*46G>T (NM_001354723.2); c.369G>T, p.Gln123His (NM_198156.3); short protein forms Q164H, Q123H.
Identifiers: ClinVar variation 456566 (VCV000456566.15), dbSNP rs1352275281, ClinGen allele CA351756157.

ClinVar aggregate classification (germline): Pathogenic/Likely pathogenic. Review status: criteria provided, multiple submitters, no conflicts (2 of 4 stars). 4 submissions from 4 submitters: Pathogenic (1); Likely pathogenic (3). Last evaluated 2025-01-13.

Conditions:
Hereditary cancer-predisposing syndrome. Also called: Hereditary Cancer Syndrome; Hereditary neoplastic syndrome; Tumor predisposition; Neoplastic Syndromes, Hereditary. Identifiers: Orphanet 140162, MedGen C0027672, MeSH D009386, MONDO:0015356.
Von Hippel-Lindau syndrome (VHLS). Also called: Von Hippel-Lindau; von Hippel–Lindau syndrome; VHL syndrome. Identifiers: Orphanet 892, MedGen C0019562, MONDO:0008667, OMIM 193300. Disease mechanism: loss of function.
Chuvash polycythemia. Also called: POLYCYTHEMIA, VHL-DEPENDENT. Identifiers: Orphanet 238557, MedGen C1837915, MONDO:0009892, OMIM 263400.

Allele frequency attached by ClinVar (database versions not stated): TOPMed 0.00001.

Submissions (4):

Ambry Genetics
Classification: Likely pathogenic for Hereditary cancer-predisposing syndrome. Last evaluated: 2025-01-13. Review status: criteria provided, single submitter. Criteria: Ambry Variant Classification Scheme 2023. Collection method: clinical testing. Allele origin: germline.
Comment: The p.Q164H variant (also known as c.492G>T), located in coding exon 3 of the VHL gene, results from a G to T substitution at nucleotide position 492. The glutamine at codon 164 is replaced by histidine, an amino acid with highly similar properties. This alteration was identified with c.340+574A>T in an individual with splenomegaly (Lenglet M et al. Blood, 2018 Aug;132:469-483). p.Q164H has also been identified in multiple individuals with VHL related tumors (Bauters C et al. J. Med. Genet. 2003 Jun;40:e75; Meyer-Rochow GY et al. J. Surg. Res. 2009 Nov;157:55-62; Buffet A et al. Horm. Metab. Res. 2012 May;44:359-66; McInerney-Leo AM et al. Clin. Endocrinol. (Oxf) 2014 Jan;80:25-33; Kreusel KM et al. Can J Ophthalmol, 2007 Apr;42:251-5; Ambry internal data; external communication). However, p.Q164H has also been identified in numerous individuals that do not have a diagnosis of VHL, or any VHL associated tumors (Ambry internal data, external communication) suggesting this variant may be associated with reduced penetrance. This variant was determined to be functionally deleterious in one saturation genome editing assay (Buckley M et al. Nat Genet, 2024 Jul;56:1446-1455). This amino acid position is highly conserved in available vertebrate species. In addition, this alteration is predicted to be deleterious by in silico analysis. This variant is considered to be rare based on population cohorts in the Genome Aggregation Database (gnomAD). Based on the majority of available evidence to date, p.Q164H is likely to be a low penetrance pathogenic variant and may not be associated with classic von Hippel Lindau disease. Clinical correlation is advised.

Labcorp Genetics (formerly Invitae), Labcorp
Classification: Pathogenic for Von Hippel-Lindau syndrome; Chuvash polycythemia. Last evaluated: 2024-11-03. Review status: criteria provided, single submitter. Criteria: Invitae Variant Classification Sherloc (09022015). Collection method: clinical testing. Allele origin: germline.
Comment: This sequence change replaces glutamine, which is neutral and polar, with histidine, which is basic and polar, at codon 164 of the VHL protein (p.Gln164His). This variant is not present in population databases (gnomAD no frequency). This missense change has been observed in individuals with capillary retinal angioma, erythrocytosis, paraganglioma, pheochromocytoma, and/or solitary juxtapapillary (PMID: 12807974, 17392848, 19215943, 22517557, 24102379, 29891534; internal data). This variant is also known as 705G>T. ClinVar contains an entry for this variant (Variation ID: 456566). Invitae Evidence Modeling of protein sequence and biophysical properties (such as structural, functional, and spatial information, amino acid conservation, physicochemical variation, residue mobility, and thermodynamic stability) indicates that this missense variant is expected to disrupt VHL protein function with a positive predictive value of 95%. For these reasons, this variant has been classified as Pathogenic.

Women's Health and Genetics/Laboratory Corporation of America, LabCorp
Classification: Likely pathogenic for Von Hippel-Lindau syndrome. Last evaluated: 2023-08-22. Review status: criteria provided, single submitter. Criteria: LabCorp Variant Classification Summary - May 2015. Collection method: clinical testing. Allele origin: germline.
Comment: Variant summary: VHL c.492G>T (p.Gln164His) results in a non-conservative amino acid change located in the alpha domain (IPR024048) of the encoded protein sequence. Four of five in-silico tools predict a damaging effect of the variant on protein function. The variant was absent in 251444 control chromosomes (gnomAD). c.492G>T has been reported in the literature in heterozygous individuals affected with Von Hippel-Lindau Syndrome (e.g., Kreusel_2000, Kreusel_2007, Papathomas_2015) as well as a compound heterozygous individual affected with congenital polycythemia (e.g., Lenglet_2018). These data indicate that the variant is may be associated with both autosomal recessive and dominant disease. To our knowledge, no experimental evidence demonstrating an impact on protein function has been reported. The following publications have been ascertained in the context of this evaluation (PMID: 17392848, 11148816, 29891534, 25720320). Three submitters have reported clinical-significance assessments for this variant to ClinVar after 2014. All submitters classified the variant as pathogenic/likely pathogenic. Additionally, a different missense variant affecting the same codon, namely c.491A>G (p.Gln164Arg), has been classified as pathogenic by our lab, and another variant causing the same missense change, c.492G>C (p.Gln164His), has been reported in multiple individuals affected with Von Hippel-Lindau Syndrome (PMIDs: 12807974, 19215943) and classified as pathogenic/likely pathogenic in ClinVar. Based on the evidence outlined above, the variant was classified as likely pathogenic.

GeneDx
Classification: Likely pathogenic. Last evaluated: 2022-07-01. Review status: criteria provided, single submitter. Criteria: GeneDx Variant Classification Process June 2021. Collection method: clinical testing. Allele origin: germline. Affected: yes.
Comment: Not observed at significant frequency in large population cohorts (gnomAD); In silico analysis supports that this missense variant has a deleterious effect on protein structure/function; Identified in an individual with erythrocytosis where a second variant in VHL was detected on the opposite allele (in trans), however the clinical significance of the second variant is currently unknown (Lenglet 2018); Identified in a patient with solitary juxtapapillary capillary retinal angioma (Kreusel 2007); Also known as c.705G>T; p.(Q235H) and p.(Q205H); This variant is associated with the following publications: (PMID: 12807974, 29891534, 24102379, 22517557, 17392848, 19215943)

Literature cited by the submitters: PubMed 17392848 (cited by 3 submitters); PubMed 29891534 (cited by 3 submitters); PubMed 38969834 (cited by Ambry Genetics); PubMed 12807974 (cited by Labcorp Genetics (formerly Invitae), Labcorp); PubMed 19215943 (cited by Labcorp Genetics (formerly Invitae), Labcorp); PubMed 22517557 (cited by Labcorp Genetics (formerly Invitae), Labcorp); PubMed 24102379 (cited by Labcorp Genetics (formerly Invitae), Labcorp); PubMed 11148816 (cited by Women's Health and Genetics/Laboratory Corporation of America, LabCorp); PubMed 25720320 (cited by Women's Health and Genetics/Laboratory Corporation of America, LabCorp).